The following is an entry in ClinVar:

NM_144643.4(SCLT1):c.1987G>T (p.Ala663Ser)

Gene: SCLT1 (sodium channel and clathrin linker 1; minus strand). Cytogenetic location: 4q28.2.
Variant type: single nucleotide variant.
Coding change: c.1987G>T on transcript NM_144643.4 (MANE Select); coding-DNA position 1987, G replaced by T.
Protein change: p.Ala663Ser; replaces alanine 663 with serine.
Molecular consequence: missense variant.
Genome position (GRCh38, 1-based): chr4:128,888,696, C>A on the plus strand (G>T on the coding strand, the complement: SCLT1 is on the minus strand). VCF-style: chr4-128888696-C-A. GRCh37 (hg19) VCF-style: chr4-129809851-C-A.
Other names: short protein forms A663S.
Identifiers: ClinVar variation 1714639 (VCV001714639.5), dbSNP rs2530085547, ClinGen allele CA358187461.

ClinVar aggregate classification (germline): Uncertain significance (1 of 4 stars; one submission).

Submission:

Labcorp Genetics (formerly Invitae), Labcorp
Classification: Uncertain significance. Last evaluated: 2022-07-31. Review status: criteria provided, single submitter. Criteria: Invitae Variant Classification Sherloc (09022015). Collection method: clinical testing. Allele origin: germline.
Comment: In summary, the available evidence is currently insufficient to determine the role of this variant in disease. Therefore, it has been classified as a Variant of Uncertain Significance. Algorithms developed to predict the effect of missense changes on protein structure and function are either unavailable or do not agree on the potential impact of this missense change (SIFT: "Tolerated"; PolyPhen-2: "Possibly Damaging"; Align-GVGD: "Class C0"). This variant has not been reported in the literature in individuals affected with SCLT1-related conditions. This variant is not present in population databases (gnomAD no frequency). This sequence change replaces alanine, which is neutral and non-polar, with serine, which is neutral and polar, at codon 663 of the SCLT1 protein (p.Ala663Ser).